The following is an entry in ClinVar:

ClinVar aggregate classification (germline): Uncertain significance. Review status: criteria provided, single submitter (1 of 4 stars). 2 submissions from 2 submitters: Uncertain significance (1). 1 of the submissions does not count toward it. Last evaluated 2024-03-01.

Conditions:
HEMOGLOBIN HOWICK.

Submissions (2):

Quest Diagnostics Nichols Institute San Juan Capistrano
Classification: Uncertain significance. Last evaluated: 2024-03-01. Review status: criteria provided, single submitter. Criteria: Quest Diagnostics criteria. Collection method: clinical testing. Allele origin: unknown.
Comment: The HBB c.112T>G (p.Trp38Gly) variant (also known as Hb Howick and W37G) has been reported in the published literature in a heterozygous, unaffected individual with normal hematological results (PMID: 8144352 (1993)). Functional studies indicated that this variant has increased oxygen affinity, reduced cooperativity, impairs 2,3-DPG binding and the stability of the deoxy form, however, has overall normal protein stability (PMID: 8144352 (1993), 9521756 (1998)). When this variant occurs on the same chromosome as the Hb S pathogenic variant, it is known as Hb C Ndjamena, c.[20A>T;112T>G] (PMID: 23457306 (2013), 34113458 (2021)), and when found with Hb S in trans, may reduce the severity of sickle cell disease. The Hb Howick variant has not been reported in large, multi-ethnic general populations (Genome Aggregation Database). Based on the available information, we are unable to determine the clinical significance of this variant. Testing affected family members could help clarify the clinical significance of this variant. Genetic counseling is recommended.

OMIM
Classification: other for HEMOGLOBIN HOWICK. Last evaluated: 2017-12-12. Review status: no assertion criteria provided. Collection method: literature only. Allele origin: germline. Not counted in ClinVar's aggregate classification.

Literature cited by the submitters: PubMed 8144352 (cited by Quest Diagnostics Nichols Institute San Juan Capistrano and OMIM); PubMed 9521756 (cited by Quest Diagnostics Nichols Institute San Juan Capistrano); PubMed 34113458 (cited by Quest Diagnostics Nichols Institute San Juan Capistrano); PubMed 23457306 (cited by Quest Diagnostics Nichols Institute San Juan Capistrano).

NM_000518.5(HBB):c.112T>G (p.Trp38Gly)

Genes: HBB (hemoglobin subunit beta; minus strand), LOC106099062 (HBB recombination region; plus strand), LOC107133510 (origin of replication at HBB; plus strand). Cytogenetic location: 11p15.4.
Variant type: single nucleotide variant.
Coding change: c.112T>G on transcript NM_000518.5 (MANE Select); coding-DNA position 112, T replaced by G.
Protein change: p.Trp38Gly; replaces tryptophan 38 with glycine.
Molecular consequence: missense variant.
Genome position (GRCh38, 1-based): chr11:5,226,780, A>C on the plus strand (T>G on the coding strand, the complement: HBB is on the minus strand). VCF-style: chr11-5226780-A-C. GRCh37 (hg19) VCF-style: chr11-5248010-A-C.
Other names: W37G; c.112T>G (NM_000518.4); short protein forms W38G.
Identifiers: ClinVar variation 15529 (VCV000015529.3), dbSNP rs33994623, ClinGen allele CA125401.